The following is an entry in ClinVar:

ClinVar aggregate classification (germline): Pathogenic (3 of 4 stars; one submission).

Conditions:
Breast-ovarian cancer, familial, susceptibility to, 2 (BROVCA2). Also called: BRCA2 Hereditary Breast and Ovarian Cancer. Identifiers: Orphanet 145, MedGen C2675520, MONDO:0012933, OMIM 612555. Disease mechanism: loss of function.

Submission:

Evidence-based Network for the Interpretation of Germline Mutant Alleles (ENIGMA)
Classification: Pathogenic for Breast-ovarian cancer, familial, susceptibility to, 2. Last evaluated: 2017-12-15. Review status: reviewed by expert panel. Criteria: ENIGMA BRCA1/2 Classification Criteria (2017-06-29). Collection method: curation. Allele origin: germline. Study: ENIGMA.
Comment: Variant allele predicted to encode a truncated non-functional protein.

NM_000059.4(BRCA2):c.1853_1854insA (p.Gln619fs)

Gene: BRCA2 (BRCA2 DNA repair associated; plus strand). Cytogenetic location: 13q13.1.
Variant type: Insertion.
Coding change: c.1853_1854insA on transcript NM_000059.4 (MANE Select); coding-DNA positions 1853 to 1854, A inserted.
Protein change: p.Gln619fs; shifts the reading frame from glutamine 619.
Molecular consequence: frameshift variant.
Genome position: GRCh38 VCF-style: chr13-32333331-C-CA. GRCh37 (hg19) VCF-style: chr13-32907468-C-CA.
Other names: short protein forms Q619fs.
Identifiers: ClinVar variation 548431 (VCV000548431.1), dbSNP rs1555282128, ClinGen allele CA658823592.